The following is an entry in ClinVar:

NM_020066.5(FMN2):c.3661C>T (p.Pro1221Ser)

Gene: FMN2 (formin 2; plus strand). Cytogenetic location: 1q43.
Variant type: single nucleotide variant.
Coding change: c.3661C>T on transcript NM_020066.5 (MANE Select); coding-DNA position 3661, C replaced by T.
Protein change: p.Pro1221Ser; replaces proline 1221 with serine.
Molecular consequence: missense variant. On other transcripts: intron variant (1).
Genome position (GRCh38, 1-based): chr1:240,208,473, C>T. VCF-style: chr1-240208473-C-T. GRCh37 (hg19) VCF-style: chr1-240371773-C-T.
Other names: c.3673C>T, p.Pro1225Ser (NM_001305424.2); c.1986+20211C>T (NM_001348094.2); short protein forms P1221S, P1225S.
Identifiers: ClinVar variation 2505732 (VCV002505732.2), dbSNP rs751441075, ClinGen allele CA1477268.

ClinVar aggregate classification (germline): Uncertain significance. Review status: criteria provided, multiple submitters, no conflicts (2 of 4 stars). 2 submissions from 2 submitters: Uncertain significance (2). Last evaluated 2025-08-30.

Conditions:
Inborn genetic diseases. Identifiers: MedGen C0950123, MeSH D030342.

Allele frequency attached by ClinVar (database versions not stated): ExAC 0.00001.
gnomAD v4.1: 5 of 1,610,376 alleles (0.00031%); highest among the groups gnomAD compares: African/African-American, 0.0067%; no homozygotes.

Submissions (2):

Ambry Genetics
Classification: Uncertain significance for Inborn genetic diseases. Last evaluated: 2025-08-30. Review status: criteria provided, single submitter. Criteria: Ambry Variant Classification Scheme 2023. Collection method: clinical testing. Allele origin: germline.

GeneDx
Classification: Uncertain significance. Last evaluated: 2022-12-15. Review status: criteria provided, single submitter. Criteria: GeneDx Variant Classification Process June 2021. Collection method: clinical testing. Allele origin: germline. Affected: yes.
Comment: Not observed at significant frequency in large population cohorts (gnomAD); In silico analysis supports that this missense variant does not alter protein structure/function; Has not been previously published as pathogenic or benign to our knowledge